The following is an entry in ClinVar:

NM_020937.4(FANCM):c.582G>A (p.Met194Ile)

Gene: FANCM (FA complementation group M; plus strand). Cytogenetic location: 14q21.2.
Variant type: single nucleotide variant.
Coding change: c.582G>A on transcript NM_020937.4 (MANE Select); coding-DNA position 582, G replaced by A.
Protein change: p.Met194Ile; replaces methionine 194 with isoleucine.
Molecular consequence: missense variant.
Genome position (GRCh38, 1-based): chr14:45,137,142, G>A. VCF-style: chr14-45137142-G-A. GRCh37 (hg19) VCF-style: chr14-45606345-G-A.
Other names: c.582G>A, p.Met194Ile (NM_001308133.2, NM_001308134.2); short protein forms M194I.
Identifiers: ClinVar variation 2050160 (VCV002050160.6), dbSNP rs776168027, ClinGen allele CA7168804.

ClinVar aggregate classification (germline): Uncertain significance. Review status: criteria provided, multiple submitters, no conflicts (2 of 4 stars). 3 submissions from 3 submitters: Uncertain significance (3). Last evaluated 2024-11-23.

Conditions:
Inborn genetic diseases. Identifiers: MedGen C0950123, MeSH D030342.
Fanconi anemia (FA). Also called: Fanconi's anemia. Identifiers: Orphanet 84, MedGen C0015625, MeSH D005199, MONDO:0019391.

Allele frequency attached by ClinVar (database versions not stated): gnomAD exomes below 0.00001; ExAC 0.00001; TOPMed 0.00001.

Submissions (3):

Ambry Genetics
Classification: Uncertain significance for Inborn genetic diseases. Last evaluated: 2024-11-23. Review status: criteria provided, single submitter. Criteria: Ambry Variant Classification Scheme 2023. Collection method: clinical testing. Allele origin: germline.
Comment: The p.M194I variant (also known as c.582G>A), located in coding exon 2 of the FANCM gene, results from a G to A substitution at nucleotide position 582. The methionine at codon 194 is replaced by isoleucine, an amino acid with highly similar properties. This amino acid position is conserved. In addition, this alteration is predicted to be tolerated by in silico analysis. Based on the available evidence, the clinical significance of this variant remains unclear.

GeneDx
Classification: Uncertain significance. Last evaluated: 2024-05-17. Review status: criteria provided, single submitter. Criteria: GeneDx Variant Classification Process June 2021. Collection method: clinical testing. Allele origin: germline. Affected: yes.
Comment: Not observed at significant frequency in large population cohorts (gnomAD); In silico analysis supports that this missense variant has a deleterious effect on protein structure/function; Has not been previously published as pathogenic or benign to our knowledge

Labcorp Genetics (formerly Invitae), Labcorp
Classification: Uncertain significance for Fanconi anemia. Last evaluated: 2022-06-13. Review status: criteria provided, single submitter. Criteria: Invitae Variant Classification Sherloc (09022015). Collection method: clinical testing. Allele origin: germline.
Comment: In summary, the available evidence is currently insufficient to determine the role of this variant in disease. Therefore, it has been classified as a Variant of Uncertain Significance. Algorithms developed to predict the effect of missense changes on protein structure and function (SIFT, PolyPhen-2, Align-GVGD) all suggest that this variant is likely to be tolerated. This variant has not been reported in the literature in individuals affected with FANCM-related conditions. This variant is present in population databases (rs776168027, gnomAD 0.003%). This sequence change replaces methionine, which is neutral and non-polar, with isoleucine, which is neutral and non-polar, at codon 194 of the FANCM protein (p.Met194Ile).